The following is an entry in ClinVar:

ClinVar aggregate classification (germline): Pathogenic. Review status: criteria provided, multiple submitters, no conflicts (2 of 4 stars). 2 submissions from 2 submitters: Pathogenic (2). Last evaluated 2022-07-05.

Conditions:
Severe X-linked myotubular myopathy (CNMX). Also called: MYOTUBULAR MYOPATHY 1; X-linked centronuclear myopathy; Myotubular myopathy, X-linked. Identifiers: Orphanet 596, MedGen C0410203, MONDO:0010683, OMIM 310400.

Submissions (2):

Labcorp Genetics (formerly Invitae), Labcorp
Classification: Pathogenic for Severe X-linked myotubular myopathy. Last evaluated: 2022-07-05. Review status: criteria provided, single submitter. Criteria: Invitae Variant Classification Sherloc (09022015). Collection method: clinical testing. Allele origin: germline.
Comment: For these reasons, this variant has been classified as Pathogenic. ClinVar contains an entry for this variant (Variation ID: 211535). This variant has not been reported in the literature in individuals affected with MTM1-related conditions. This variant is not present in population databases (gnomAD no frequency). This sequence change creates a premature translational stop signal (p.Arg184Glufs*6) in the MTM1 gene. It is expected to result in an absent or disrupted protein product. Loss-of-function variants in MTM1 are known to be pathogenic (PMID: 9305655, 10063835).

Genetic Services Laboratory, University of Chicago
Classification: Pathogenic for Myotubular myopathy, X-linked. Last evaluated: 2013-02-08. Review status: criteria provided, single submitter. Criteria: ACMG Guidelines, 2007. Collection method: clinical testing. Allele origin: germline. Affected: yes.

Literature cited by the submitters: PubMed 9305655 (cited by Labcorp Genetics (formerly Invitae), Labcorp); PubMed 10063835 (cited by Labcorp Genetics (formerly Invitae), Labcorp).

NM_000252.3(MTM1):c.549dup (p.Arg184fs)

Gene: MTM1 (myotubularin 1; plus strand). Cytogenetic location: Xq28.
Variant type: Duplication.
Coding change: c.549dup on transcript NM_000252.3 (MANE Select); coding-DNA position 549, one base duplicated (G; older notation c.549dupG).
Protein change: p.Arg184fs; shifts the reading frame from arginine 184.
Molecular consequence: frameshift variant.
Genome position (GRCh38, 1-based): chrX:150,641,289, G duplicated; the last of 2 consecutive G bases (chrX:150,641,288-150,641,289); duplicating either gives the same sequence. VCF-style (leftmost placement, unchanged base first): chrX-150641287-T-TG. GRCh37 (hg19) VCF-style: chrX-149809760-T-TG.
Other names: c.549_550insG (NM_000252.2); c.549dup, p.Arg184fs (NM_001376906.1, NM_001376908.1); c.438dup, p.Arg147fs (NM_001376907.1); short protein forms R184fs, R147fs.
Identifiers: ClinVar variation 211535 (VCV000211535.14), dbSNP rs797045719, ClinGen allele CA277415.